The following is an entry in ClinVar:

NM_002047.4(GARS1):c.1004C>T (p.Ser335Phe)

Gene: GARS1 (glycyl-tRNA synthetase 1; plus strand). Cytogenetic location: 7p14.3.
Variant type: single nucleotide variant.
Coding change: c.1004C>T on transcript NM_002047.4 (MANE Select); coding-DNA position 1004, C replaced by T.
Protein change: p.Ser335Phe; replaces serine 335 with phenylalanine.
Molecular consequence: missense variant.
Genome position (GRCh38, 1-based): chr7:30,612,218, C>T. VCF-style: chr7-30612218-C-T. GRCh37 (hg19) VCF-style: chr7-30651834-C-T.
Other names: c.842C>T, p.Ser281Phe (NM_001316772.1); short protein forms S281F, S335F.
Identifiers: ClinVar variation 2444135 (VCV002444135.3), dbSNP rs2534306052, ClinGen allele CA367125535.

ClinVar aggregate classification (germline): Conflicting classifications of pathogenicity. Review status: criteria provided, conflicting classifications (1 of 4 stars). 3 submissions from 3 submitters: Likely pathogenic (1); Uncertain significance (2). Last evaluated 2024-08-29.

Conditions:
Spinal muscular atrophy, infantile, James type. Also called: GARS1 Infantile-Onset Spinal Muscular Atrophy (GARS1-iSMA). Identifiers: MedGen C5436669, MONDO:0033621, OMIM 619042.
Neuronopathy, distal hereditary motor, type 5A (HMND5). Also called: Distal Spinal Muscular Atrophy V; DHMN VA; NEURONOPATHY, DISTAL HEREDITARY MOTOR, AUTOSOMAL DOMINANT 5; Distal Spinal Muscular Atrophy V (dSMA-V). Identifiers: Orphanet 139536, MedGen CN031873, MONDO:0015353, OMIM 600794.

Submissions (3):

MVZ Medizinische Genetik Mainz
Classification: Likely pathogenic for Spinal muscular atrophy, infantile, James type. Last evaluated: 2024-08-29. Review status: criteria provided, single submitter. Criteria: UK Practice Guidelines For Variant Classification V4 01 2020. Collection method: clinical testing. Allele origin: germline. Inheritance: Autosomal dominant inheritance. Affected: yes. Observed: 1 variant allele.
Comment: ACMG Criteria: PM1,PP3_MOD,PM2_SUP,PP2

Ambry Genetics
Classification: Uncertain significance. Last evaluated: 2023-09-20. Review status: criteria provided, single submitter. Criteria: Ambry Variant Classification Scheme 2023. Collection method: clinical testing. Allele origin: germline.

3billion
Classification: Uncertain significance for Neuronopathy, distal hereditary motor, type 5A. Last evaluated: 2023-02-23. Review status: criteria provided, single submitter. Criteria: ACMG Guidelines, 2015. Collection method: clinical testing. Allele origin: unknown. Affected: yes.
Comment: The variant is not observed in the gnomAD v2.1.1 dataset. Missense changes are a common disease-causing mechanism. In silico tool predictions suggest damaging effect of the variant on gene or gene product (REVEL: 0.90; 3Cnet: 0.97). Therefore, this variant is classified as VUS according to the recommendation of ACMG/AMP guideline.